The following is an entry in ClinVar:

ClinVar aggregate classification (germline): Uncertain significance (1 of 4 stars; one submission).

gnomAD v4.1: 2 of 1,597,740 alleles (0.00013%); highest among the groups gnomAD compares: African/African-American, 0.0027%; no homozygotes.

Submission:

Labcorp Genetics (formerly Invitae), Labcorp
Classification: Uncertain significance. Last evaluated: 2025-07-28. Review status: criteria provided, single submitter. Criteria: Invitae Variant Classification Sherloc (09022015). Collection method: clinical testing. Allele origin: germline.
Comment: This sequence change replaces isoleucine, which is neutral and non-polar, with valine, which is neutral and non-polar, at codon 1499 of the PCNT protein (p.Ile1499Val). This variant is not present in population databases (gnomAD no frequency). This variant has not been reported in the literature in individuals affected with PCNT-related conditions. An algorithm developed to predict the effect of missense changes on protein structure and function (PolyPhen-2) suggests that this variant is likely to be tolerated. In summary, the available evidence is currently insufficient to determine the role of this variant in disease. Therefore, it has been classified as a Variant of Uncertain Significance.

NM_006031.6(PCNT):c.4495A>G (p.Ile1499Val)

Gene: PCNT (pericentrin; plus strand). Cytogenetic location: 21q22.3.
Variant type: single nucleotide variant.
Coding change: c.4495A>G on transcript NM_006031.6 (MANE Select); coding-DNA position 4495, A replaced by G.
Protein change: p.Ile1499Val; replaces isoleucine 1499 with valine.
Molecular consequence: missense variant.
Genome position (GRCh38, 1-based): chr21:46,398,062, A>G. VCF-style: chr21-46398062-A-G. GRCh37 (hg19) VCF-style: chr21-47817976-A-G.
Other names: c.4141A>G, p.Ile1381Val (NM_001315529.2); short protein forms I1381V, I1499V.
Identifiers: ClinVar variation 4765717 (VCV004765717.1).
Genomic context (GRCh38, chr21:46,398,062, plus strand): 5'-CTCTCCTCCCAGGAGCAGGCAGCCGAGCGGGAGCACGAGCGCGAGGAGTTCCAGCAGGAG[A>G]TTCAGAGGCTGGAGGGGCAGCTCCGCCAGGCGGCCAAGCCGCAGCCCTGGGGCCCTCGCG-3'
Protein context (NP_006022.3, residues 1489-1509): EHEREEFQQE[Ile1499Val]QRLEGQLRQA